The following is an entry in ClinVar:

ClinVar aggregate classification (germline): Pathogenic (3 of 4 stars; one submission).

Conditions:
Glanzmann thrombasthenia. Also called: BLEEDING DISORDER, PLATELET-TYPE, 2; THROMBASTHENIA OF GLANZMANN AND NAEGELI; Thrombasthenia; Glanzmann's thrombasthenia; PLATELET GLYCOPROTEIN IIb-IIIa DEFICIENCY. Identifiers: Orphanet 849, MedGen C0040015, MONDO:0100326.

Submission:

ClinGen Platelet Disorders Variant Curation Expert Panel, ClinGen
Classification: Pathogenic for Glanzmann thrombasthenia. Last evaluated: 2024-10-15. Review status: reviewed by expert panel. Criteria: ClinGen Platelet ACMG Specifications v2-1. Collection method: curation. Allele origin: germline. Inheritance: Autosomal recessive inheritance.
Comment: The c.575-2A>T variant in ITGA2B occurs within the canonical splice acceptor site of intron 4. It is predicted to result in a frameshift of 46 amino acids with a premature stop codon in exon 7, leading to nonsense mediated decay in a gene in which loss-of-function is an established disease mechanism (PVS1). At least one patient (Patient 2 in PMID: 36672149) with this variant displayed mucocutaneous bleeding and impaired aggregation with all agonists except ristocetin, which is highly specific for Glanzmann thrombasthenia (PP4_Moderate). Additionally, there was only 1% αIIb platelet surface expression by flow cytometry. This variant is absent from gnomAD v4.1.0 (PM2_Supporting). In summary, this variant meets the criteria to be classified as Pathogenic for autosomal recessive Glanzmann Thrombasthenia based on the ACMG/AMP criteria applied, as specified by the ClinGen PD VCEP: PVS1, PP4_Moderate, PM2_Supporting and PM3_Supporting.

NM_000419.5(ITGA2B):c.575-2A>T

Gene: ITGA2B (integrin subunit alpha 2b; minus strand). Cytogenetic location: 17q21.31.
Variant type: single nucleotide variant.
Coding change: c.575-2A>T on transcript NM_000419.5 (MANE Select); the canonical splice acceptor site of the intron before coding-DNA position 575, A replaced by T.
Molecular consequence: splice acceptor variant.
Genome position (GRCh38, 1-based): chr17:44,385,337, T>A on the plus strand (A>T on the coding strand, the complement: ITGA2B is on the minus strand). VCF-style: chr17-44385337-T-A. GRCh37 (hg19) VCF-style: chr17-42462705-T-A.
Other names: NM_000419.5:c.575-2A>T.
Identifiers: ClinVar variation 3391416 (VCV003391416.1).